The following is an entry in ClinVar:

NM_005060.4(RORC):c.156+62delinsACACACACA

Gene: RORC (RAR related orphan receptor C; minus strand). Cytogenetic location: 1q21.3.
Variant type: Indel.
Coding change: c.156+62delinsACACACACA on transcript NM_005060.4 (MANE Select); 62 bases into the intron after coding-DNA position 156, G replaced by ACACACACA.
Molecular consequence: intron variant.
Genome position (GRCh38, 1-based): chr1:151,817,133, C replaced by TGTGTGTGT on the plus strand (G replaced by ACACACACA on the coding strand, the reverse complement: RORC is on the minus strand). VCF-style: chr1-151817133-C-TGTGTGTGT. GRCh37 (hg19) VCF-style: chr1-151789609-C-TGTGTGTGT.
Other names: c.93+62delinsACACACACA (NM_001001523.2).
Identifiers: ClinVar variation 2688208 (VCV002688208.2), dbSNP rs1553291011, ClinGen allele CA2697554548.

ClinVar aggregate classification (germline): Benign (1 of 4 stars; one submission).

Submission:

Unidad de Genómica Garrahan, Hospital de Pediatría Garrahan
Classification: Benign. Last evaluated: 2024-01-24. Review status: criteria provided, single submitter. Criteria: ACMG Guidelines, 2015. Collection method: clinical testing. Allele origin: germline. Affected: no. Observed: 33 variant alleles.
Comment: This variant is classified as Benign based on local population frequency. This variant was detected in 35% of patients studied by a panel of primary immunodeficiencies. Number of patients: 33. Only high quality variants are reported.